The following is an entry in ClinVar:

NM_145698.5(ACBD5):c.303-2A>C

Gene: ACBD5 (acyl-CoA binding domain containing 5; minus strand). Cytogenetic location: 10p12.1.
Variant type: single nucleotide variant.
Coding change: c.303-2A>C on transcript NM_145698.5 (MANE Select); the canonical splice acceptor site of the intron before coding-DNA position 303, A replaced by C.
Molecular consequence: splice acceptor variant.
Genome position (GRCh38, 1-based): chr10:27,231,822, T>G on the plus strand (A>C on the coding strand, the complement: ACBD5 is on the minus strand). VCF-style: chr10-27231822-T-G. GRCh37 (hg19) VCF-style: chr10-27520751-T-G.
Other names: c.303-2A>C (NM_001352570.1, NM_001352588.1, NM_001352573.1 and 2 more transcripts); c.-25-2A>C (NM_001301253.2, NM_001301251.2, NM_001352583.1 and 4 more transcripts); c.198-2A>C (NM_001352580.2, NM_001352577.2, NM_001352575.2 and 6 more transcripts); c.324-2A>C (NM_001352572.1, NM_001352568.1); c.297-2A>C (NM_001352587.1, NM_001271512.3, NM_001352586.1 and 1 more transcripts).
Identifiers: ClinVar variation 1956406 (VCV001956406.6), dbSNP rs778394237, ClinGen allele CA5450988.

ClinVar aggregate classification (germline): Likely pathogenic (1 of 4 stars; one submission).

Allele frequency attached by ClinVar (database versions not stated): ExAC 0.00001.

Submissions (2):

Labcorp Genetics (formerly Invitae), Labcorp
Classification: Likely pathogenic. Last evaluated: 2022-06-01. Review status: criteria provided, single submitter. Criteria: Invitae Variant Classification Sherloc (09022015). Collection method: clinical testing. Allele origin: germline.
Comment: In summary, the currently available evidence indicates that the variant is pathogenic, but additional data are needed to prove that conclusively. Therefore, this variant has been classified as Likely Pathogenic. Algorithms developed to predict the effect of sequence changes on RNA splicing suggest that this variant may disrupt the consensus splice site. This variant has not been reported in the literature in individuals affected with ACBD5-related conditions. This variant is present in population databases (rs778394237, gnomAD 0.0009%). This sequence change affects an acceptor splice site in intron 3 of the ACBD5 gene. It is expected to disrupt RNA splicing. Variants that disrupt the donor or acceptor splice site typically lead to a loss of protein function (PMID: 16199547), and loss-of-function variants in ACBD5 are known to be pathogenic (PMID: 23105016, 27799409).

Dr. Peter K. Rogan Lab, Western University
No classification provided (evidence only). Condition: Familial cancer of breast. Review status: no classification provided. Collection method: in vitro. Allele origin: not applicable. Functional consequence: skipped exon, retained intron. Not counted in ClinVar's aggregate classification.

Literature cited by the submitters: PubMed 16199547 (cited by Labcorp Genetics (formerly Invitae), Labcorp); PubMed 23105016 (cited by Labcorp Genetics (formerly Invitae), Labcorp); PubMed 27799409 (cited by Labcorp Genetics (formerly Invitae), Labcorp).